The following is an entry in ClinVar:

ClinVar aggregate classification (germline): Pathogenic (1 of 4 stars; one submission).

Conditions:
Neurofibromatosis, type 1 (NF1). Also called: VON RECKLINGHAUSEN DISEASE; Neurofibromatosis, type I; Peripheral type neurofibromatosis; NEUROFIBROMATOSIS, TYPE I, SOMATIC. Identifiers: Orphanet 636, MedGen C0027831, MONDO:0018975, OMIM 162200. Disease mechanism: loss of function.

Submission:

Labcorp Genetics (formerly Invitae), Labcorp
Classification: Pathogenic for Neurofibromatosis, type 1. Last evaluated: 2020-04-27. Review status: criteria provided, single submitter. Criteria: Invitae Variant Classification Sherloc (09022015). Collection method: clinical testing. Allele origin: unknown.
Comment: For these reasons, this variant has been classified as Pathogenic. The region of the NF1 gene that includes exon(s) 36-57 has been determined to be clinically significant (Invitae). Therefore, deletions that encompass that region are likely to disrupt protein function and cause disease. This variant has not been reported in the literature in individuals with NF1-related conditions. This variant results in the deletion of exon(s) 32-57 and part of exon 31 (c.4143_*59803del) of the NF1 gene. While this deletion is not anticipated to result in nonsense mediated decay, it is expected to create a truncated protein product or disrupt mRNA translation.

NC_000017.10:g.(?_29585391)_(29760973_?)del

Genes: EVI2A (ecotropic viral integration site 2A; minus strand), EVI2B (ecotropic viral integration site 2B; minus strand), NF1 (neurofibromin 1; plus strand), OMG (oligodendrocyte myelin glycoprotein; minus strand), RAB11FIP4 (RAB11 family interacting protein 4; plus strand). Cytogenetic location: 17q11.2.
Variant type: Deletion.
Identifiers: ClinVar variation 3242912 (VCV003242912.1).